The following is an entry in ClinVar:

NM_194277.3(FRMD7):c.556A>G (p.Met186Val)

Gene: FRMD7 (FERM domain containing 7; minus strand). Cytogenetic location: Xq26.2.
Variant type: single nucleotide variant.
Coding change: c.556A>G on transcript NM_194277.3 (MANE Select); coding-DNA position 556, A replaced by G.
Protein change: p.Met186Val; replaces methionine 186 with valine.
Molecular consequence: missense variant.
Genome position (GRCh38, 1-based): chrX:132,085,670, T>C on the plus strand (A>G on the coding strand, the complement: FRMD7 is on the minus strand). VCF-style: chrX-132085670-T-C. GRCh37 (hg19) VCF-style: chrX-131219698-T-C.
Other names: c.511A>G, p.Met171Val (NM_001306193.2); short protein forms M186V, M171V.
Identifiers: ClinVar variation 192295 (VCV000192295.2), dbSNP rs786205896, ClinGen allele CA274843.

ClinVar aggregate classification (germline): Pathogenic (1 of 4 stars; one submission).

Conditions:
Nystagmus 1, congenital, X-linked. Also called: NYSTAGMUS, INFANTILE IDIOPATHIC; NYSTAGMUS, INFANTILE PERIODIC ALTERNATING, X-LINKED; NYSTAGMUS 1, INFANTILE, X-LINKED; NYSTAGMUS, CONGENITAL MOTOR, 1; FRMD7-Related Infantile Nystagmus. Identifiers: MedGen C1839580, MONDO:0010693, OMIM 310700.

Submission:

Mutsuddi Laboratory, Department of Molecular and Human Genetics, Banaras Hindu University
Classification: Pathogenic for Infantile nystagmus, X-linked. Last evaluated: 2015-01-01. Review status: criteria provided, single submitter. Criteria: Submitter's publication. Collection method: research. Allele origin: maternal. Affected: yes and no. Observed: 2 heterozygotes, 4 hemizygotes. Clinical features observed: manifest conjugate horizontal jerk nystagmus. Study: FRMD7:p.M186V Causes Nystagmus in a North Indian Family.
Comment: The variant reported here is the outcome of a study where we screened the gene FRMD7 to identify the causative variant for X-linked idiopathic congenital nystagmus in a North Indian family. We identified a novel A to G transition in exon seven (c.556A > G), resulting in a conservative substitution of methionine by valine at codon 186 (p.M186V). A cohort of 100 healthy individuals was also checked for presence of the causal variant. All the affected males and unaffected female carriers in the family shared this variant. However, this was absent in the unaffected males as well as 100 unrelated healthy individuals from the same population.